The following is an entry in ClinVar:

ClinVar aggregate classification (germline): Uncertain significance. Review status: criteria provided, multiple submitters, no conflicts (2 of 4 stars). 3 submissions from 3 submitters: Uncertain significance (2). 1 of the submissions does not count toward it. Last evaluated 2023-07-19.

Conditions:
Fanconi anemia complementation group J. Also called: BRIP1-Related Fanconi Anemia. Identifiers: Orphanet 84, MedGen C1836860, MONDO:0012187, OMIM 609054.
Familial cancer of breast. Also called: BREAST CANCER, FAMILIAL; hereditary breast carcinoma; Hereditary breast cancer. Identifiers: Orphanet 227535, MedGen C0346153, MONDO:0016419, OMIM 114480. Disease mechanism: loss of function.
Hereditary cancer-predisposing syndrome. Also called: Tumor predisposition; Hereditary neoplastic syndrome; Neoplastic Syndromes, Hereditary; Hereditary Cancer Syndrome. Identifiers: Orphanet 140162, MedGen C0027672, MeSH D009386, MONDO:0015356.

Submissions (3):

Labcorp Genetics (formerly Invitae), Labcorp
Classification: Uncertain significance for Familial cancer of breast; Fanconi anemia complementation group J. Last evaluated: 2023-07-19. Review status: criteria provided, single submitter. Criteria: Invitae Variant Classification Sherloc (09022015). Collection method: clinical testing. Allele origin: germline.
Comment: This sequence change replaces proline, which is neutral and non-polar, with leucine, which is neutral and non-polar, at codon 488 of the BRIP1 protein (p.Pro488Leu). This variant is not present in population databases (gnomAD no frequency). This variant has not been reported in the literature in individuals affected with BRIP1-related conditions. ClinVar contains an entry for this variant (Variation ID: 929539). Advanced modeling of protein sequence and biophysical properties (such as structural, functional, and spatial information, amino acid conservation, physicochemical variation, residue mobility, and thermodynamic stability) performed at Invitae indicates that this missense variant is not expected to disrupt BRIP1 protein function. In summary, the available evidence is currently insufficient to determine the role of this variant in disease. Therefore, it has been classified as a Variant of Uncertain Significance.

Ambry Genetics
Classification: Uncertain significance for Hereditary cancer-predisposing syndrome. Last evaluated: 2022-04-27. Review status: criteria provided, single submitter. Criteria: Ambry Variant Classification Scheme 2023. Collection method: clinical testing. Allele origin: germline.
Comment: The p.P488L variant (also known as c.1463C>T), located in coding exon 9 of the BRIP1 gene, results from a C to T substitution at nucleotide position 1463. The proline at codon 488 is replaced by leucine, an amino acid with similar properties. This alteration has been reported with a carrier frequency of 0.00013 in 7636 unselected prostate cancer patients and 0.00008 in 12366 male controls of Japanese ancestry (Momozawa Y et al. J Natl Cancer Inst, 2020 04;112:369-376). This amino acid position is well conserved in available vertebrate species. In addition, the in silico prediction for this alteration is inconclusive. Since supporting evidence is limited at this time, the clinical significance of this alteration remains unclear.

Leiden Open Variation Database
Classification: Uncertain significance. Last evaluated: 2019-08-13. Review status: no assertion criteria provided. Collection method: curation. Allele origin: germline. Affected: yes. Not counted in ClinVar's aggregate classification.
Comment: Curator: Arleen D. Auerbach. Submitter to LOVD: Yukihide Momozawa.

Literature cited by the submitters: PubMed 31214711 (cited by Ambry Genetics and Leiden Open Variation Database).

NM_032043.3(BRIP1):c.1463C>T (p.Pro488Leu)

Gene: BRIP1 (BRCA1 interacting DNA helicase 1; minus strand). Cytogenetic location: 17q23.2.
Variant type: single nucleotide variant.
Coding change: c.1463C>T on transcript NM_032043.3 (MANE Select); coding-DNA position 1463, C replaced by T.
Protein change: p.Pro488Leu; replaces proline 488 with leucine.
Molecular consequence: missense variant.
Genome position (GRCh38, 1-based): chr17:61,793,607, G>A on the plus strand (C>T on the coding strand, the complement: BRIP1 is on the minus strand). VCF-style: chr17-61793607-G-A. GRCh37 (hg19) VCF-style: chr17-59870968-G-A.
Other names: short protein forms P488L.
Identifiers: ClinVar variation 929539 (VCV000929539.6), dbSNP rs1237035767, ClinGen allele CA400482049.
Genomic context (GRCh38, chr17:61,793,607, plus strand): 5'-ATCACTTCTAATTCACTAAATACGTTTCACAGGTAGAAAAAATATCTTACCTGCAAAATG[G>A]GAAAAGTAGCAGTGGTGATACCCATTTTGTGTAAAGTTAAGAGCATTTCATTTCCACTCC-3'
Protein context (NP_114432.2, residues 478-498): HKMGITTATF[Pro488Leu]ILQGHFSAVL